The following is an entry in ClinVar:

NM_002496.4(NDUFS8):c.292G>A (p.Glu98Lys)

Gene: NDUFS8 (NADH:ubiquinone oxidoreductase core subunit S8; plus strand). Cytogenetic location: 11q13.2.
Variant type: single nucleotide variant.
Coding change: c.292G>A on transcript NM_002496.4 (MANE Select); coding-DNA position 292, G replaced by A.
Protein change: p.Glu98Lys; replaces glutamic acid 98 with lysine.
Molecular consequence: missense variant.
Genome position (GRCh38, 1-based): chr11:68,033,203, G>A. VCF-style: chr11-68033203-G-A. GRCh37 (hg19) VCF-style: chr11-67800670-G-A.
Other names: short protein forms E98K.
Identifiers: ClinVar variation 429610 (VCV000429610.3), dbSNP rs1131691492, ClinGen allele CA381599929.

ClinVar aggregate classification (germline): Likely pathogenic (1 of 4 stars; one submission).

Allele frequency attached by ClinVar (database versions not stated): gnomAD 0.00001; TOPMed 0.00003.

Submission:

GeneDx
Classification: Likely pathogenic. Last evaluated: 2020-03-13. Review status: criteria provided, single submitter. Criteria: GeneDx Variant Classification Process June 2021. Collection method: clinical testing. Allele origin: germline. Affected: yes.
Comment: Not observed in large population cohorts (Lek et al., 2016); In silico analysis supports that this missense variant has a deleterious effect on protein structure/function; Has not been previously published as pathogenic or benign to our knowledge